The following is an entry in ClinVar:

ClinVar aggregate classification (germline): Uncertain significance. Review status: criteria provided, multiple submitters, no conflicts (2 of 4 stars). 2 submissions from 2 submitters: Uncertain significance (2). Last evaluated 2025-08-30.

Conditions:
Cardiomyopathy (CMYO). Also called: Cardiomyopathies. Identifiers: Orphanet 167848, MedGen C0878544, MONDO:0004994, HP:0001638. Inheritance: Various modes of inheritance.
Cardiovascular phenotype. Identifiers: MedGen CN230736.

Submissions (2):

Color Diagnostics, LLC DBA Color Health
Classification: Uncertain significance for Cardiomyopathy. Last evaluated: 2025-08-30. Review status: criteria provided, single submitter. Criteria: ACMG Guidelines, 2015. Collection method: clinical testing. Allele origin: germline.
Comment: This missense variant replaces threonine with isoleucine at codon 88 of the MYL3 protein. Computational prediction suggests that this variant may have deleterious impact on protein structure and function. To our knowledge, functional studies have not been reported for this variant. This variant has not been reported in individuals affected with MYL3-related disorders in the literature. This variant has not been identified in the general population by the Genome Aggregation Database (gnomAD). The available evidence is insufficient to determine the role of this variant in disease conclusively. Therefore, this variant is classified as a Variant of Uncertain Significance.

Ambry Genetics
Classification: Uncertain significance for Cardiovascular phenotype. Last evaluated: 2020-09-10. Review status: criteria provided, single submitter. Criteria: Ambry Variant Classification Scheme 2023. Collection method: clinical testing. Allele origin: germline.
Comment: The p.T88I variant (also known as c.263C>T), located in coding exon 3 of the MYL3 gene, results from a C to T substitution at nucleotide position 263. The threonine at codon 88 is replaced by isoleucine, an amino acid with similar properties. This amino acid position is highly conserved in available vertebrate species. In addition, the in silico prediction for this alteration is inconclusive. Since supporting evidence is limited at this time, the clinical significance of this alteration remains unclear.

NM_000258.3(MYL3):c.263C>T (p.Thr88Ile)

Gene: MYL3 (myosin light chain 3; minus strand). Cytogenetic location: 3p21.31.
Variant type: single nucleotide variant.
Coding change: c.263C>T on transcript NM_000258.3 (MANE Select); coding-DNA position 263, C replaced by T.
Protein change: p.Thr88Ile; replaces threonine 88 with isoleucine.
Molecular consequence: missense variant.
Genome position (GRCh38, 1-based): chr3:46,860,720, G>A on the plus strand (C>T on the coding strand, the complement: MYL3 is on the minus strand). VCF-style: chr3-46860720-G-A. GRCh37 (hg19) VCF-style: chr3-46902210-G-A.
Other names: c.263C>T, p.Thr88Ile (NM_001406937.1, NM_001406938.1, NM_001406939.1); c.89C>T, p.Thr30Ile (NM_001406940.1, NM_001406941.1); short protein forms T88I, T30I.
Identifiers: ClinVar variation 1794172 (VCV001794172.3), dbSNP rs2544966978, ClinGen allele CA352498022.